The following is an entry in ClinVar:

NM_000321.3(RB1):c.2321C>G (p.Thr774Ser)

Gene: RB1 (RB transcriptional corepressor 1; plus strand). Cytogenetic location: 13q14.2.
Variant type: single nucleotide variant.
Coding change: c.2321C>G on transcript NM_000321.3 (MANE Select); coding-DNA position 2321, C replaced by G.
Protein change: p.Thr774Ser; replaces threonine 774 with serine.
Molecular consequence: missense variant.
Genome position (GRCh38, 1-based): chr13:48,465,107, C>G. VCF-style: chr13-48465107-C-G. GRCh37 (hg19) VCF-style: chr13-49039243-C-G.
Other names: c.2321C>G, p.Thr774Ser (NM_001407165.1); short protein forms T774S.
Identifiers: ClinVar variation 3313077 (VCV003313077.2).
Genomic context (GRCh38, chr13:48,465,107, plus strand): 5'-TATTCTATAACTCGGTCTTCATGCAGAGACTGAAAACAAATATTTTGCAGTATGCTTCCA[C>G]CAGGGTAGGTCAAAAGTATCCTTTGATTGGAAAAATCTAATGTAATGGGTCCACCAAAAC-3'
Protein context (NP_000312.2, residues 764-784): LKTNILQYAS[Thr774Ser]RPPTLSPIPH

ClinVar aggregate classification (germline): Uncertain significance. Review status: criteria provided, multiple submitters, no conflicts (2 of 4 stars). 2 submissions from 2 submitters: Uncertain significance (2). Last evaluated 2025-11-06.

Conditions:
Retinoblastoma (RB1). Also called: RETINOBLASTOMA, SOMATIC. Identifiers: Orphanet 790, MedGen C0035335, MeSH D012175, MONDO:0008380, OMIM 180200, HP:0009919. Disease mechanism: loss of function. Inheritance: Both sporadic and heritable forms are tested..
Hereditary cancer-predisposing syndrome. Also called: Neoplastic Syndromes, Hereditary; Tumor predisposition; Hereditary neoplastic syndrome; Hereditary Cancer Syndrome. Identifiers: Orphanet 140162, MedGen C0027672, MeSH D009386, MONDO:0015356.

Submissions (2):

Labcorp Genetics (formerly Invitae), Labcorp
Classification: Uncertain significance for Retinoblastoma. Last evaluated: 2025-11-06. Review status: criteria provided, single submitter. Criteria: Invitae Variant Classification Sherloc (09022015). Collection method: clinical testing. Allele origin: germline.
Comment: This sequence change replaces threonine, which is neutral and polar, with serine, which is neutral and polar, at codon 774 of the RB1 protein (p.Thr774Ser). This variant is not present in population databases (gnomAD no frequency). This variant has not been reported in the literature in individuals affected with RB1-related conditions. ClinVar contains an entry for this variant (Variation ID: 3313077). Invitae Evidence Modeling of protein sequence and biophysical properties (such as structural, functional, and spatial information, amino acid conservation, physicochemical variation, residue mobility, and thermodynamic stability) indicates that this missense variant is not expected to disrupt RB1 protein function with a negative predictive value of 80%. In summary, the available evidence is currently insufficient to determine the role of this variant in disease. Therefore, it has been classified as a Variant of Uncertain Significance.

Ambry Genetics
Classification: Uncertain significance for Hereditary cancer-predisposing syndrome. Last evaluated: 2024-06-21. Review status: criteria provided, single submitter. Criteria: Ambry Variant Classification Scheme 2023. Collection method: clinical testing. Allele origin: germline.
Comment: The p.T774S variant (also known as c.2321C>G), located in coding exon 22 of the RB1 gene, results from a C to G substitution at nucleotide position 2321. The threonine at codon 774 is replaced by serine, an amino acid with similar properties. This amino acid position is conserved. In addition, this alteration is predicted to be tolerated by in silico analysis. Based on the available evidence, the clinical significance of this variant remains unclear.